The following is an entry in ClinVar:

ClinVar aggregate classification (germline): Uncertain significance (1 of 4 stars; one submission).

Submission:

Labcorp Genetics (formerly Invitae), Labcorp
Classification: Uncertain significance. Last evaluated: 2025-03-31. Review status: criteria provided, single submitter. Criteria: Invitae Variant Classification Sherloc (09022015). Collection method: clinical testing. Allele origin: germline.
Comment: This sequence change replaces methionine, which is neutral and non-polar, with isoleucine, which is neutral and non-polar, at codon 1904 of the DSCAML1 protein (p.Met1904Ile). This variant is not present in population databases (gnomAD no frequency). This variant has not been reported in the literature in individuals affected with DSCAML1-related conditions. ClinVar contains an entry for this variant (Variation ID: 1993197). An algorithm developed to predict the effect of missense changes on protein structure and function (PolyPhen-2) suggests that this variant is likely to be tolerated. In summary, the available evidence is currently insufficient to determine the role of this variant in disease. Therefore, it has been classified as a Variant of Uncertain Significance.

NM_020693.4(DSCAML1):c.5532G>A (p.Met1844Ile)

Gene: DSCAML1 (DS cell adhesion molecule like 1; minus strand). Cytogenetic location: 11q23.3.
Variant type: single nucleotide variant.
Coding change: c.5532G>A on transcript NM_020693.4 (MANE Select); coding-DNA position 5532, G replaced by A.
Protein change: p.Met1844Ile; replaces methionine 1844 with isoleucine.
Molecular consequence: missense variant.
Genome position (GRCh38, 1-based): chr11:117,430,876, C>T on the plus strand (G>A on the coding strand, the complement: DSCAML1 is on the minus strand). VCF-style: chr11-117430876-C-T. GRCh37 (hg19) VCF-style: chr11-117301592-C-T.
Other names: short protein forms M1844I.
Identifiers: ClinVar variation 1993197 (VCV001993197.4), dbSNP rs2542964253, ClinGen allele CA382752821.